The following is an entry in ClinVar:

ClinVar aggregate classification (germline): Uncertain significance (1 of 4 stars; one submission).

Submission:

GeneDx
Classification: Uncertain significance. Last evaluated: 2022-11-29. Review status: criteria provided, single submitter. Criteria: GeneDx Variant Classification Process June 2021. Collection method: clinical testing. Allele origin: germline. Affected: yes.
Comment: Not observed at significant frequency in large population cohorts (gnomAD); In silico analysis supports that this missense variant does not alter protein structure/function; Has not been previously published as pathogenic or benign to our knowledge

NM_000489.6(ATRX):c.3015G>A (p.Met1005Ile)

Gene: ATRX (ATRX chromatin remodeler; minus strand). Cytogenetic location: Xq21.1.
Variant type: single nucleotide variant.
Coding change: c.3015G>A on transcript NM_000489.6 (MANE Select); coding-DNA position 3015, G replaced by A.
Protein change: p.Met1005Ile; replaces methionine 1005 with isoleucine.
Molecular consequence: missense variant.
Genome position (GRCh38, 1-based): chrX:77,682,241, C>T on the plus strand (G>A on the coding strand, the complement: ATRX is on the minus strand). VCF-style: chrX-77682241-C-T. GRCh37 (hg19) VCF-style: chrX-76937733-C-T.
Other names: c.2901G>A, p.Met967Ile (NM_138270.5); short protein forms M1005I, M967I.
Identifiers: ClinVar variation 2504479 (VCV002504479.1), dbSNP rs2148583634, ClinGen allele CA413708734.